The following is an entry in ClinVar:

ClinVar aggregate classification (germline): Likely benign (0 of 4 stars; one submission).

Conditions:
IRF2BPL-related disorder. Also called: IRF2BPL-related condition. Identifiers: MedGen CN381093.

Allele frequency attached by ClinVar (database versions not stated): gnomAD 0.00001; TOPMed 0.00002.
gnomAD v4.1: 53 of 1,563,862 alleles (0.0034%); highest among the groups gnomAD compares: Non-Finnish European, 0.0043%; no homozygotes.

Submission:

PreventionGenetics, part of Exact Sciences
Classification: Likely benign for IRF2BPL-related condition. Last evaluated: 2019-07-18. Review status: no assertion criteria provided. Collection method: clinical testing. Allele origin: germline.
Comment: This variant is classified as likely benign based on ACMG/AMP sequence variant interpretation guidelines (Richards et al. 2015 PMID: 25741868, with internal and published modifications).

NM_024496.4(IRF2BPL):c.1767G>A (p.Pro589=)

Gene: IRF2BPL (interferon regulatory factor 2 binding protein like; minus strand). Cytogenetic location: 14q24.3.
Variant type: single nucleotide variant.
Coding change: c.1767G>A on transcript NM_024496.4 (MANE Select); coding-DNA position 1767, G replaced by A.
Protein change: p.Pro589=; no amino-acid change (proline 589 retained).
Molecular consequence: synonymous variant.
Genome position (GRCh38, 1-based): chr14:77,026,026, C>T on the plus strand (G>A on the coding strand, the complement: IRF2BPL is on the minus strand). VCF-style: chr14-77026026-C-T. GRCh37 (hg19) VCF-style: chr14-77492369-C-T.
Identifiers: ClinVar variation 3050835 (VCV003050835.2), dbSNP rs1343991124, ClinGen allele CA487507125.